The following is an entry in ClinVar:

ClinVar aggregate classification (germline): Uncertain significance (1 of 4 stars; one submission).

Conditions:
Inborn genetic diseases. Identifiers: MedGen C0950123, MeSH D030342.

Submission:

Ambry Genetics
Classification: Uncertain significance for Inborn genetic diseases. Last evaluated: 2025-07-03. Review status: criteria provided, single submitter. Criteria: Ambry Variant Classification Scheme 2023. Collection method: clinical testing. Allele origin: germline.
Comment: The p.D806V variant (also known as c.2417A>T), located in coding exon 22 of the ANKRD26 gene, results from an A to T substitution at nucleotide position 2417. The aspartic acid at codon 806 is replaced by valine, an amino acid with highly dissimilar properties. This amino acid position is conserved. In addition, this alteration is predicted to be tolerated by in silico analysis. Based on the available evidence, the clinical significance of this variant remains unclear.

NM_014915.3(ANKRD26):c.2417A>T (p.Asp806Val)

Gene: ANKRD26 (ankyrin repeat domain containing 26; minus strand). Cytogenetic location: 10p12.1.
Variant type: single nucleotide variant.
Coding change: c.2417A>T on transcript NM_014915.3 (MANE Select); coding-DNA position 2417, A replaced by T.
Protein change: p.Asp806Val; replaces aspartic acid 806 with valine.
Molecular consequence: missense variant.
Genome position (GRCh38, 1-based): chr10:27,038,013, T>A on the plus strand (A>T on the coding strand, the complement: ANKRD26 is on the minus strand). VCF-style: chr10-27038013-T-A. GRCh37 (hg19) VCF-style: chr10-27326942-T-A.
Other names: c.2414A>T, p.Asp805Val (NM_001256053.2); short protein forms D806V, D805V.
Identifiers: ClinVar variation 4103224 (VCV004103224.1).